The following is an entry in ClinVar:

ClinVar aggregate classification (germline): Uncertain significance (1 of 4 stars; one submission).

Submission:

Labcorp Genetics (formerly Invitae), Labcorp
Classification: Uncertain significance. Last evaluated: 2022-07-12. Review status: criteria provided, single submitter. Criteria: Invitae Variant Classification Sherloc (09022015). Collection method: clinical testing. Allele origin: germline.
Comment: This sequence change replaces serine, which is neutral and polar, with proline, which is neutral and non-polar, at codon 323 of the CTNNA1 protein (p.Ser323Pro). This variant is not present in population databases (gnomAD no frequency). This variant has not been reported in the literature in individuals affected with CTNNA1-related conditions. ClinVar contains an entry for this variant (Variation ID: 863761). Algorithms developed to predict the effect of missense changes on protein structure and function are either unavailable or do not agree on the potential impact of this missense change (SIFT: "Deleterious"; PolyPhen-2: "Benign"; Align-GVGD: "Class C0"). In summary, the available evidence is currently insufficient to determine the role of this variant in disease. Therefore, it has been classified as a Variant of Uncertain Significance.

NM_001903.5(CTNNA1):c.967T>C (p.Ser323Pro)

Gene: CTNNA1 (catenin alpha 1; plus strand). Cytogenetic location: 5q31.2.
Variant type: single nucleotide variant.
Coding change: c.967T>C on transcript NM_001903.5 (MANE Select); coding-DNA position 967, T replaced by C.
Protein change: p.Ser323Pro; replaces serine 323 with proline.
Molecular consequence: missense variant.
Genome position (GRCh38, 1-based): chr5:138,827,623, T>C. VCF-style: chr5-138827623-T-C. GRCh37 (hg19) VCF-style: chr5-138163312-T-C.
Other names: c.967T>C, p.Ser323Pro (NM_001290307.3, NM_001323982.2, NM_001323983.1 and 3 more transcripts); c.658T>C, p.Ser220Pro (NM_001290309.3); c.598T>C, p.Ser200Pro (NM_001290310.3); short protein forms S220P, S200P, S323P.
Identifiers: ClinVar variation 863761 (VCV000863761.9), dbSNP rs1760852256, ClinGen allele CA361131008.